The following is an entry in ClinVar:

NM_000093.5(COL5A1):c.2869A>G (p.Thr957Ala)

Gene: COL5A1 (collagen type V alpha 1 chain; plus strand). Cytogenetic location: 9q34.3.
Variant type: single nucleotide variant.
Coding change: c.2869A>G on transcript NM_000093.5 (MANE Select); coding-DNA position 2869, A replaced by G.
Protein change: p.Thr957Ala; replaces threonine 957 with alanine.
Molecular consequence: missense variant.
Genome position (GRCh38, 1-based): chr9:134,796,872, A>G. VCF-style: chr9-134796872-A-G. GRCh37 (hg19) VCF-style: chr9-137688718-A-G.
Other names: c.2869A>G, p.Thr957Ala (NM_001278074.1); short protein forms T957A.
Identifiers: ClinVar variation 4844427 (VCV004844427.1).
Genomic context (GRCh38, chr9:134,796,872, plus strand): 5'-CCTCTTGTCCTCAAACTGGCCTTTCTCTGTTCCCAGGGACCCAATGGACCCCAAGGACCC[A>G]CAGGATTTCCTGGACCAAAGGGCCCCCCTGTAAGTAATGGCTTCCTTGCTGGGCCAGCAC-3'
Protein context (NP_000084.3, residues 947-967): ERGPNGPQGP[Thr957Ala]GFPGPKGPPG

ClinVar aggregate classification (germline): Uncertain significance (1 of 4 stars; one submission).

Conditions:
Familial thoracic aortic aneurysm and aortic dissection (TAAD). Also called: Thoracic aortic aneurysms and dissections. Identifiers: Orphanet 91387, MedGen C4707243, MONDO:0019625.

gnomAD v4.1: 1 of 1,614,010 alleles (0.000062%); highest among the groups gnomAD compares: East Asian, 0.0022%; no homozygotes.

Submission:

Ambry Genetics
Classification: Uncertain significance for Familial thoracic aortic aneurysm and aortic dissection. Last evaluated: 2026-02-15. Review status: criteria provided, single submitter. Criteria: Ambry Variant Classification Scheme 2023. Collection method: clinical testing. Allele origin: germline.
Comment: The p.T957A variant (also known as c.2869A>G), located in coding exon 36 of the COL5A1 gene, results from an A to G substitution at nucleotide position 2869. The threonine at codon 957 is replaced by alanine, an amino acid with similar properties. This amino acid position is conserved. In addition, this alteration is predicted to be tolerated by in silico analysis. Based on the available evidence, the clinical significance of this variant remains unclear.